The following is an entry in ClinVar:

ClinVar aggregate classification (germline): Uncertain significance (1 of 4 stars; one submission).

Allele frequency attached by ClinVar (database versions not stated): gnomAD 0.00001; gnomAD exomes 0.00002; ExAC 0.00006; 1000 Genomes Project 30x 0.00016; 1000 Genomes Project 0.00020.
gnomAD v4.1: 12 of 1,602,620 alleles (0.00075%); highest among the groups gnomAD compares: South Asian, 0.011%; no homozygotes.

Submission:

Labcorp Genetics (formerly Invitae), Labcorp
Classification: Uncertain significance. Last evaluated: 2023-11-20. Review status: criteria provided, single submitter. Criteria: Invitae Variant Classification Sherloc (09022015). Collection method: clinical testing. Allele origin: germline.
Comment: This sequence change replaces lysine, which is basic and polar, with asparagine, which is neutral and polar, at codon 43 of the FSCN2 protein (p.Lys43Asn). This variant is present in population databases (rs559823034, gnomAD 0.01%). This variant has not been reported in the literature in individuals affected with FSCN2-related conditions. ClinVar contains an entry for this variant (Variation ID: 1956706). An algorithm developed to predict the effect of missense changes on protein structure and function (PolyPhen-2) suggests that this variant is likely to be disruptive. In summary, the available evidence is currently insufficient to determine the role of this variant in disease. Therefore, it has been classified as a Variant of Uncertain Significance.

NM_012418.4(FSCN2):c.129G>T (p.Lys43Asn)

Gene: FSCN2 (fascin actin-bundling protein 2, retinal; plus strand). Cytogenetic location: 17q25.3.
Variant type: single nucleotide variant.
Coding change: c.129G>T on transcript NM_012418.4 (MANE Select); coding-DNA position 129, G replaced by T.
Protein change: p.Lys43Asn; replaces lysine 43 with asparagine.
Molecular consequence: missense variant.
Genome position (GRCh38, 1-based): chr17:81,528,660, G>T. VCF-style: chr17-81528660-G-T. GRCh37 (hg19) VCF-style: chr17-79495686-G-T.
Other names: c.129G>T, p.Lys43Asn (NM_001077182.3); short protein forms K43N.
Identifiers: ClinVar variation 1956706 (VCV001956706.5), dbSNP rs559823034, ClinGen allele CA8836589.